The following is an entry in ClinVar:

NM_001267550.2(TTN):c.86168del (p.Phe28723fs)

Genes: TTN (titin; minus strand), TTN-AS1 (TTN antisense RNA 1; plus strand). Cytogenetic location: 2q31.2.
Variant type: Deletion.
Coding change: c.86168del on transcript NM_001267550.2 (MANE Select); coding-DNA position 86168, one base deleted (T; older notation c.86168delT).
Protein change: p.Phe28723fs; shifts the reading frame from phenylalanine 28723.
Molecular consequence: frameshift variant.
Genome position (GRCh38, 1-based): chr2:178,559,964, A deleted on the plus strand (T on the coding strand, the reverse complement: TTN is on the minus strand); the first of 4 consecutive A bases (chr2:178,559,964-178,559,967); deleting any one gives the same sequence. VCF-style (leftmost placement, unchanged base first): chr2-178559963-GA-G. GRCh37 (hg19) VCF-style: chr2-179424690-GA-G.
Other names: NP_001254479.2:p.(Phe28723SerfsTer3); c.81245del, p.Phe27082fs (NM_001256850.1); c.58973del, p.Phe19658fs (NM_003319.4); c.78464del, p.Phe26155fs (NM_133378.4); c.59348del, p.Phe19783fs (NM_133432.3); c.59549del, p.Phe19850fs (NM_133437.4); short protein forms F19658fs, F19783fs, F19850fs, F26155fs, F27082fs, F28723fs.
Identifiers: ClinVar variation 2505120 (VCV002505120.2), dbSNP rs2469640549, ClinGen allele CA2580614443.
Genomic context (GRCh38, chr2:178,559,963, plus strand): 5'-CTGAGGGTCAGAGCTATCACTGGGGTCACTAGCACCAACCTTATTGACAGATTTTACTCT[GA>G]AAACATATTCAGCTCCTGTTGTTAGTCCGCTTATTGTATATTCTGTCCCTCGTAAGCTCT-3'

ClinVar aggregate classification (germline): Pathogenic. Review status: criteria provided, single submitter (1 of 4 stars). 2 submissions from 2 submitters: Pathogenic (1). 1 of the submissions does not count toward it. Last evaluated 2024-01-19.

Conditions:
Dilated cardiomyopathy 1G (CMD1G). Identifiers: Orphanet 154, MedGen C1858763, MONDO:0011400, OMIM 604145.
Primary dilated cardiomyopathy (DCM). Also called: Dilated Cardiomyopathy. Identifiers: Orphanet 217604, MedGen C0007193, MeSH D002311, MONDO:0005021, HP:0001644. Inheritance: Various modes of inheritance.

Submissions (2):

Institute of Human Genetics, University of Leipzig Medical Center
Classification: Pathogenic for Dilated cardiomyopathy 1G. Last evaluated: 2024-01-19. Review status: criteria provided, single submitter. Criteria: ACMG Guidelines, 2015. Collection method: clinical testing. Allele origin: unknown. Inheritance: Autosomal dominant inheritance. Affected: yes.
Comment: Criteria applied: PVS1,PS4_SUP,PM2_SUP

Research Unit of Cardiovascular and Metabolic Disease, Inserm
Classification: Likely pathogenic for Dilated CardioMyopathy. Last evaluated: 2022-07-21. Review status: no assertion criteria provided. Collection method: research. Allele origin: germline. Affected: yes. Observed: 1 variant allele. Not counted in ClinVar's aggregate classification.